The following is an entry in ClinVar:

ClinVar aggregate classification (germline): Uncertain significance (1 of 4 stars; one submission).

Submission:

Labcorp Genetics (formerly Invitae), Labcorp
Classification: Uncertain significance. Last evaluated: 2023-08-22. Review status: criteria provided, single submitter. Criteria: Invitae Variant Classification Sherloc (09022015). Collection method: clinical testing. Allele origin: germline.
Comment: This sequence change replaces proline, which is neutral and non-polar, with leucine, which is neutral and non-polar, at codon 2528 of the ADGRV1 protein (p.Pro2528Leu). This variant is not present in population databases (gnomAD no frequency). This variant has not been reported in the literature in individuals affected with ADGRV1-related conditions. Advanced modeling of protein sequence and biophysical properties (such as structural, functional, and spatial information, amino acid conservation, physicochemical variation, residue mobility, and thermodynamic stability) performed at Invitae indicates that this missense variant is not expected to disrupt ADGRV1 protein function. In summary, the available evidence is currently insufficient to determine the role of this variant in disease. Therefore, it has been classified as a Variant of Uncertain Significance.

NM_032119.4(ADGRV1):c.7583C>T (p.Pro2528Leu)

Gene: ADGRV1 (adhesion G protein-coupled receptor V1; plus strand). Cytogenetic location: 5q14.3.
Variant type: single nucleotide variant.
Coding change: c.7583C>T on transcript NM_032119.4 (MANE Select); coding-DNA position 7583, C replaced by T.
Protein change: p.Pro2528Leu; replaces proline 2528 with leucine.
Molecular consequence: missense variant. On other transcripts: non-coding transcript variant (1).
Genome position (GRCh38, 1-based): chr5:90,694,339, C>T. VCF-style: chr5-90694339-C-T. GRCh37 (hg19) VCF-style: chr5-89990156-C-T.
Other names: short protein forms P2528L.
Identifiers: ClinVar variation 2754427 (VCV002754427.3), dbSNP rs2530952881, ClinGen allele CA360379579.
Genomic context (GRCh38, chr5:90,694,339, plus strand): 5'-GGCAATGGGCCATAATGCAGGAAGGTGATGAATTCGCAAATCTCACAGTGTCTATTCTTC[C>T]TGATGATTTCCCAGAGATGGATGAGAGTTTTCTAATTTCTCTCCTTGAAGTTCACCTCAT-3'
Protein context (NP_115495.3, residues 2518-2538): EFANLTVSIL[Pro2528Leu]DDFPEMDESF